The following is an entry in ClinVar:

NM_000484.4(APP):c.1604G>A (p.Arg535His)

Genes: APP (amyloid beta precursor protein; minus strand), LOC126653330 (CDK7 strongly-dependent group 2 enhancer GRCh37_chr21:27326978-27328177; plus strand). Cytogenetic location: 21q21.3.
Variant type: single nucleotide variant.
Coding change: c.1604G>A on transcript NM_000484.4 (MANE Select); coding-DNA position 1604, G replaced by A.
Protein change: p.Arg535His; replaces arginine 535 with histidine.
Molecular consequence: missense variant.
Genome position (GRCh38, 1-based): chr21:25,954,673, C>T on the plus strand (G>A on the coding strand, the complement: APP is on the minus strand). VCF-style: chr21-25954673-C-T. GRCh37 (hg19) VCF-style: chr21-27326987-C-T.
Other names: c.1532G>A, p.Arg511His (NM_001136016.3); c.1211G>A, p.Arg404His (NM_001136129.3); c.1436G>A, p.Arg479His (NM_001136130.3, NM_001385253.1); c.1274G>A, p.Arg425His (NM_001136131.3); c.1604G>A, p.Arg535His (NM_001204301.2); c.1547G>A, p.Arg516His (NM_001204302.2, NM_201413.3); c.1379G>A, p.Arg460His (NM_001204303.2, NM_201414.3); short protein forms R479H, R404H, R460H, R425H, R511H, R516H, R535H.
Identifiers: ClinVar variation 4775129 (VCV004775129.1).

ClinVar aggregate classification (germline): Uncertain significance (1 of 4 stars; one submission).

Conditions:
Alzheimer disease. Also called: Presenile and senile dementia; Alzheimer's disease. Identifiers: Orphanet 1020, MedGen C0002395, MeSH D000544, MONDO:0004975, HP:0002511.

gnomAD v4.1: 48 of 1,613,842 alleles (0.003%); highest among the groups gnomAD compares: Middle Eastern, 0.016%; no homozygotes.

Submission:

Labcorp Genetics (formerly Invitae), Labcorp
Classification: Uncertain significance for Alzheimer disease. Last evaluated: 2025-09-16. Review status: criteria provided, single submitter. Criteria: Invitae Variant Classification Sherloc (09022015). Collection method: clinical testing. Allele origin: germline.
Comment: This sequence change replaces arginine, which is basic and polar, with histidine, which is basic and polar, at codon 535 of the APP protein (p.Arg535His). This variant is present in population databases (rs753052785, gnomAD 0.008%). This missense change has been observed in individual(s) with clinical features of APP-related conditions (PMID: 32908482). Invitae Evidence Modeling of protein sequence and biophysical properties (such as structural, functional, and spatial information, amino acid conservation, physicochemical variation, residue mobility, and thermodynamic stability) indicates that this missense variant is not expected to disrupt APP protein function with a negative predictive value of 95%. In summary, the available evidence is currently insufficient to determine the role of this variant in disease. Therefore, it has been classified as a Variant of Uncertain Significance.

Literature cited by the submitters: PubMed 32908482.